The following is an entry in ClinVar:

ClinVar aggregate classification (germline): Uncertain significance (1 of 4 stars; one submission).

Submission:

GeneDx
Classification: Uncertain significance. Last evaluated: 2024-02-26. Review status: criteria provided, single submitter. Criteria: GeneDx Variant Classification Process June 2021. Collection method: clinical testing. Allele origin: germline. Affected: yes.
Comment: Not observed at significant frequency in large population cohorts (gnomAD); Has not been previously published as pathogenic or benign to our knowledge; In-silico analysis is inconclusive as to whether the variant impacts protein structure/function. In the absence of functional studies, the actual effect of this sequence change is unknown

NM_019066.5(MAGEL2):c.1986G>C (p.Gln662His)

Gene: MAGEL2 (MAGE family member L2; minus strand). Cytogenetic location: 15q11.2.
Variant type: single nucleotide variant.
Coding change: c.1986G>C on transcript NM_019066.5 (MANE Select); coding-DNA position 1986, G replaced by C.
Protein change: p.Gln662His; replaces glutamine 662 with histidine.
Molecular consequence: missense variant.
Genome position (GRCh38, 1-based): chr15:23,645,757, C>G on the plus strand (G>C on the coding strand, the complement: MAGEL2 is on the minus strand). VCF-style: chr15-23645757-C-G. GRCh37 (hg19) VCF-style: chr15-23890904-C-G.
Other names: short protein forms Q662H.
Identifiers: ClinVar variation 3369758 (VCV003369758.1).